The following is an entry in ClinVar:

ClinVar aggregate classification (germline): Uncertain significance (1 of 4 stars; one submission).

Conditions:
Multiple endocrine neoplasia, type 1 (MEN1). Also called: MEN I; WERMER SYNDROME; Endocrine adenomatosis multiple; MEN 1; MEA I. Identifiers: Orphanet 652, MedGen C0025267, MeSH D018761, MONDO:0007540, OMIM 131100.

gnomAD v4.1: 1 of 1,614,200 alleles (0.000062%); highest among the groups gnomAD compares: Non-Finnish European, 0.000085%; no homozygotes.

Submission:

Labcorp Genetics (formerly Invitae), Labcorp
Classification: Uncertain significance for Multiple endocrine neoplasia, type 1. Last evaluated: 2025-09-14. Review status: criteria provided, single submitter. Criteria: Invitae Variant Classification Sherloc (09022015). Collection method: clinical testing. Allele origin: germline.
Comment: This sequence change replaces leucine, which is neutral and non-polar, with proline, which is neutral and non-polar, at codon 600 of the MEN1 protein (p.Leu600Pro). This variant is not present in population databases (gnomAD no frequency). This variant has not been reported in the literature in individuals affected with MEN1-related conditions. Invitae Evidence Modeling of protein sequence and biophysical properties (such as structural, functional, and spatial information, amino acid conservation, physicochemical variation, residue mobility, and thermodynamic stability) has been performed for this missense variant. However, the output from this modeling did not meet the statistical confidence thresholds required to predict the impact of this variant on MEN1 protein function. In summary, the available evidence is currently insufficient to determine the role of this variant in disease. Therefore, it has been classified as a Variant of Uncertain Significance.

NM_001370259.2(MEN1):c.1799T>C (p.Leu600Pro)

Gene: MEN1 (menin 1; minus strand). Cytogenetic location: 11q13.1.
Variant type: single nucleotide variant.
Coding change: c.1799T>C on transcript NM_001370259.2 (MANE Select); coding-DNA position 1799, T replaced by C.
Protein change: p.Leu600Pro; replaces leucine 600 with proline.
Molecular consequence: missense variant. On other transcripts: non-coding transcript variant (4).
Genome position (GRCh38, 1-based): chr11:64,804,368, A>G on the plus strand (T>C on the coding strand, the complement: MEN1 is on the minus strand). VCF-style: chr11-64804368-A-G. GRCh37 (hg19) VCF-style: chr11-64571840-A-G.
Other names: c.1820T>C, p.Leu607Pro (NM_001407151.1); c.1634T>C, p.Leu545Pro (NM_001407152.1); c.1799T>C, p.Leu600Pro (NM_130799.3, NM_001407146.1, NM_001407147.1 and 2 more transcripts); c.1814T>C, p.Leu605Pro (NM_130800.3, NM_130801.3, NM_130802.3 and 4 more transcripts); c.1925T>C, p.Leu642Pro (NM_001407142.1, NM_001407143.1, NM_001407144.1 and 1 more transcripts); c.1694T>C, p.Leu565Pro (NM_001407148.1, NM_001407149.1, NM_001370262.2 and 1 more transcripts); c.1940T>C, p.Leu647Pro (NM_001407150.1); short protein forms L545P, L565P, L600P, L605P, L607P, L642P, L647P.
Identifiers: ClinVar variation 4807096 (VCV004807096.1).